The following is an entry in ClinVar:

NM_012301.4(MAGI2):c.2623A>G (p.Ser875Gly)

Gene: MAGI2 (membrane associated guanylate kinase, WW and PDZ domain containing 2; minus strand). Cytogenetic location: 7q21.11.
Variant type: single nucleotide variant.
Coding change: c.2623A>G on transcript NM_012301.4 (MANE Select); coding-DNA position 2623, A replaced by G.
Protein change: p.Ser875Gly; replaces serine 875 with glycine.
Molecular consequence: missense variant.
Genome position (GRCh38, 1-based): chr7:78,160,247, T>C on the plus strand (A>G on the coding strand, the complement: MAGI2 is on the minus strand). VCF-style: chr7-78160247-T-C. GRCh37 (hg19) VCF-style: chr7-77789564-T-C.
Other names: c.2581A>G, p.Ser861Gly (NM_001301128.2); short protein forms S861G, S875G.
Identifiers: ClinVar variation 3694836 (VCV003694836.2).

ClinVar aggregate classification (germline): Uncertain significance (1 of 4 stars; one submission).

gnomAD v4.1: 1 of 1,599,254 alleles (0.000063%); no homozygotes.

Submission:

Labcorp Genetics (formerly Invitae), Labcorp
Classification: Uncertain significance. Last evaluated: 2025-06-12. Review status: criteria provided, single submitter. Criteria: Invitae Variant Classification Sherloc (09022015). Collection method: clinical testing. Allele origin: germline.
Comment: This sequence change replaces serine, which is neutral and polar, with glycine, which is neutral and non-polar, at codon 875 of the MAGI2 protein (p.Ser875Gly). The frequency data for this variant in the population databases is considered unreliable, as metrics indicate poor data quality at this position in the gnomAD database. This variant has not been reported in the literature in individuals affected with MAGI2-related conditions. ClinVar contains an entry for this variant (Variation ID: 3694836). An algorithm developed to predict the effect of missense changes on protein structure and function (PolyPhen-2) suggests that this variant is likely to be tolerated. In summary, the available evidence is currently insufficient to determine the role of this variant in disease. Therefore, it has been classified as a Variant of Uncertain Significance.